The following is an entry in ClinVar:

ClinVar aggregate classification (germline): Likely benign. Review status: criteria provided, single submitter (1 of 4 stars). 3 submissions from 3 submitters: Likely benign (1). 2 of the submissions do not count toward it. Last evaluated 2020-03-29.

Conditions:
PKHD1-related disorder. Also called: PKHD1-related condition.
Autosomal recessive polycystic kidney disease (ARPKD). Also called: AR polycystic kidney disease. Identifiers: Orphanet 731, Orphanet 8378, MedGen C0085548, MeSH D017044, MONDO:0009889.

gnomAD v4.1: 1 of 1,614,002 alleles (0.000062%); highest among the groups gnomAD compares: Admixed American, 0.0017%; no homozygotes.

Submissions (3):

Labcorp Genetics (formerly Invitae), Labcorp
Classification: Likely benign for Autosomal recessive polycystic kidney disease. Last evaluated: 2020-03-29. Review status: criteria provided, single submitter. Criteria: Invitae Variant Classification Sherloc (09022015). Collection method: clinical testing. Allele origin: germline.

PreventionGenetics, part of Exact Sciences
Classification: Likely benign for PKHD1-related condition. Last evaluated: 2024-07-17. Review status: no assertion criteria provided. Collection method: clinical testing. Allele origin: germline. Not counted in ClinVar's aggregate classification.
Comment: This variant is classified as likely benign based on ACMG/AMP sequence variant interpretation guidelines (Richards et al. 2015 PMID: 25741868, with internal and published modifications).

Natera, Inc.
Classification: Likely benign for Autosomal recessive polycystic kidney disease. Last evaluated: 2019-05-28. Review status: no assertion criteria provided. Collection method: clinical testing. Allele origin: germline. Not counted in ClinVar's aggregate classification.

NM_138694.4(PKHD1):c.4674G>A (p.Gly1558=)

Genes: PKHD1 (PKHD1 ciliary IPT domain containing fibrocystin/polyductin; minus strand), LOC126859690 (MED14-independent group 3 enhancer GRCh37_chr6:51888848-51890047; plus strand). Cytogenetic location: 6p12.2.
Variant type: single nucleotide variant.
Coding change: c.4674G>A on transcript NM_138694.4 (MANE Select); coding-DNA position 4674, G replaced by A.
Protein change: p.Gly1558=; no amino-acid change (glycine 1558 retained).
Molecular consequence: synonymous variant.
Genome position (GRCh38, 1-based): chr6:52,025,136, C>T on the plus strand (G>A on the coding strand, the complement: PKHD1 is on the minus strand). VCF-style: chr6-52025136-C-T. GRCh37 (hg19) VCF-style: chr6-51889934-C-T.
Other names: c.4674G>A (NM_138694.3); c.4674G>A, p.Gly1558= (NM_170724.3).
Identifiers: ClinVar variation 1116627 (VCV001116627.15), dbSNP rs943531478, ClinGen allele CA450614258.